The following is an entry in ClinVar:

ClinVar aggregate classification (germline): Uncertain significance (1 of 4 stars; one submission).

gnomAD v4.1: 2 of 1,613,778 alleles (0.00012%); highest among the groups gnomAD compares: East Asian, 0.0022%; no homozygotes.

Submission:

GeneDx
Classification: Uncertain significance. Last evaluated: 2024-09-05. Review status: criteria provided, single submitter. Criteria: GeneDx Variant Classification Process June 2021. Collection method: clinical testing. Allele origin: germline. Affected: yes.
Comment: Not observed at significant frequency in large population cohorts (gnomAD); In silico analysis supports that this missense variant has a deleterious effect on protein structure/function; Has not been previously published as pathogenic or benign to our knowledge

NM_001378328.1(CELSR1):c.5038G>A (p.Gly1680Ser)

Gene: CELSR1 (cadherin EGF LAG seven-pass G-type receptor 1; minus strand). Cytogenetic location: 22q13.31.
Variant type: single nucleotide variant.
Coding change: c.5038G>A on transcript NM_001378328.1 (MANE Select); coding-DNA position 5038, G replaced by A.
Protein change: p.Gly1680Ser; replaces glycine 1680 with serine.
Molecular consequence: missense variant.
Genome position (GRCh38, 1-based): chr22:46,409,776, C>T on the plus strand (G>A on the coding strand, the complement: CELSR1 is on the minus strand). VCF-style: chr22-46409776-C-T. GRCh37 (hg19) VCF-style: chr22-46805673-C-T.
Other names: c.5038G>A, p.Gly1680Ser (NM_014246.4); short protein forms G1680S.
Identifiers: ClinVar variation 3767430 (VCV003767430.1).
Genomic context (GRCh38, chr22:46,409,776, plus strand): 5'-CCGCCGTGACCGGGGGGATGGACGACGCCGGCCACTCACCTTGCTCACAGTTCTTCCCGC[C>T]GAATCGGAGTGGACACTCACACAGATACATATTCCACCTGTTGACACAGGTGCCTCCATT-3'
Protein context (NP_001365257.1, residues 1670-1690): MYLCECPLRF[Gly1680Ser]GKNCEQAMPH